The following is an entry in ClinVar:

ClinVar aggregate classification (germline): Uncertain significance. Review status: criteria provided, multiple submitters, no conflicts (2 of 4 stars). 2 submissions from 2 submitters: Uncertain significance (2). Last evaluated 2025-06-07.

Conditions:
Inborn genetic diseases. Identifiers: MedGen C0950123, MeSH D030342.

Allele frequency attached by ClinVar (database versions not stated): gnomAD exomes below 0.00001; TOPMed 0.00001.

Submissions (2):

Ambry Genetics
Classification: Uncertain significance for Inborn genetic diseases. Last evaluated: 2025-06-07. Review status: criteria provided, single submitter. Criteria: Ambry Variant Classification Scheme 2023. Collection method: clinical testing. Allele origin: germline.

Labcorp Genetics (formerly Invitae), Labcorp
Classification: Uncertain significance. Last evaluated: 2022-06-15. Review status: criteria provided, single submitter. Criteria: Invitae Variant Classification Sherloc (09022015). Collection method: clinical testing. Allele origin: germline.
Comment: Algorithms developed to predict the effect of missense changes on protein structure and function (SIFT, PolyPhen-2, Align-GVGD) all suggest that this variant is likely to be tolerated. This variant has not been reported in the literature in individuals affected with HIVEP2-related conditions. This variant is not present in population databases (gnomAD no frequency). This sequence change replaces cysteine, which is neutral and slightly polar, with glycine, which is neutral and non-polar, at codon 1678 of the HIVEP2 protein (p.Cys1678Gly). In summary, the available evidence is currently insufficient to determine the role of this variant in disease. Therefore, it has been classified as a Variant of Uncertain Significance.

NM_006734.4(HIVEP2):c.5032T>G (p.Cys1678Gly)

Gene: HIVEP2 (HIVEP zinc finger 2; minus strand). Cytogenetic location: 6q24.2.
Variant type: single nucleotide variant.
Coding change: c.5032T>G on transcript NM_006734.4 (MANE Select); coding-DNA position 5032, T replaced by G.
Protein change: p.Cys1678Gly; replaces cysteine 1678 with glycine.
Molecular consequence: missense variant.
Genome position (GRCh38, 1-based): chr6:142,769,707, A>C on the plus strand (T>G on the coding strand, the complement: HIVEP2 is on the minus strand). VCF-style: chr6-142769707-A-C. GRCh37 (hg19) VCF-style: chr6-143090844-A-C.
Other names: c.5032T>G (NM_006734.3); short protein forms C1678G.
Identifiers: ClinVar variation 2414715 (VCV002414715.7), dbSNP rs1264471524, ClinGen allele CA365896216.